The following is an entry in ClinVar:

NM_022114.4(PRDM16):c.49G>A (p.Val17Ile)

Gene: PRDM16 (PR/SET domain 16; plus strand). Cytogenetic location: 1p36.32.
Variant type: single nucleotide variant.
Coding change: c.49G>A on transcript NM_022114.4 (MANE Select); coding-DNA position 49, G replaced by A.
Protein change: p.Val17Ile; replaces valine 17 with isoleucine.
Molecular consequence: missense variant.
Genome position (GRCh38, 1-based): chr1:3,186,136, G>A. VCF-style: chr1-3186136-G-A. GRCh37 (hg19) VCF-style: chr1-3102700-G-A.
Other names: c.49G>A, p.Val17Ile (NM_199454.3); short protein forms V17I.
Identifiers: ClinVar variation 474437 (VCV000474437.22), dbSNP rs183153140, ClinGen allele CA543683.

ClinVar aggregate classification (germline): Likely benign. Review status: criteria provided, multiple submitters, no conflicts (2 of 4 stars). 9 submissions from 9 submitters: Likely benign (6). 3 of the submissions do not count toward it. Last evaluated 2026-01-28.

Conditions:
Left ventricular noncompaction 8 (LVNC8). Identifiers: Orphanet 154, Orphanet 54260, MedGen C3809288, MONDO:0014152, OMIM 615373.
PRDM16-related disorder. Also called: PRDM16-related condition.

Allele frequency attached by ClinVar (database versions not stated): gnomAD exomes 0.00035; ESP Exome Variant Server 0.00101; 1000 Genomes Project 30x 0.00109; 1000 Genomes Project 0.00120; gnomAD 0.00137; TOPMed 0.00148.
gnomAD v4.1: 441 of 1,612,566 alleles (0.027%); highest among the groups gnomAD compares: African/African-American, 0.5%; no homozygotes.

Submissions (9):

Labcorp Genetics (formerly Invitae), Labcorp
Classification: Likely benign for Left ventricular noncompaction 8. Last evaluated: 2026-01-28. Review status: criteria provided, single submitter. Criteria: Invitae Variant Classification Sherloc (09022015). Collection method: clinical testing. Allele origin: germline.

Women's Health and Genetics/Laboratory Corporation of America, LabCorp
Classification: Likely benign. Last evaluated: 2025-06-02. Review status: criteria provided, single submitter. Criteria: LabCorp Variant Classification Summary - May 2015. Collection method: clinical testing. Allele origin: germline.

ARUP Laboratories, Molecular Genetics and Genomics, ARUP Laboratories
Classification: Likely benign. Last evaluated: 2024-07-30. Review status: criteria provided, single submitter. Criteria: ARUP Molecular Germline Variant Investigation Process 2024. Collection method: clinical testing. Allele origin: germline.

Blueprint Genetics
Classification: Likely benign. Last evaluated: 2024-03-19. Review status: criteria provided, single submitter. Criteria: ACMG Guidelines, 2015. Collection method: clinical testing. Allele origin: germline.

GeneDx
Classification: Likely benign. Last evaluated: 2021-03-09. Review status: criteria provided, single submitter. Criteria: GeneDx Variant Classification Process June 2021. Collection method: clinical testing. Allele origin: germline. Affected: yes.
Comment: This variant is associated with the following publications: (PMID: 27650965)

Breakthrough Genomics
Classification: Likely benign. Review status: criteria provided, single submitter. Criteria: ACMG Guidelines, 2015. Collection method: not provided. Allele origin: germline. Inheritance: Autosomal dominant inheritance. Affected: yes.

PreventionGenetics, part of Exact Sciences
Classification: Likely benign for PRDM16-related condition. Last evaluated: 2020-06-10. Review status: no assertion criteria provided. Collection method: clinical testing. Allele origin: germline. Not counted in ClinVar's aggregate classification.
Comment: This variant is classified as likely benign based on ACMG/AMP sequence variant interpretation guidelines (Richards et al. 2015 PMID: 25741868, with internal and published modifications).

Clinical Genetics DNA and cytogenetics Diagnostics Lab, Erasmus MC, Erasmus Medical Center
Classification: Likely benign. Review status: no assertion criteria provided. Collection method: clinical testing. Allele origin: germline. Affected: yes. Study: VKGL Data-share Consensus. Not counted in ClinVar's aggregate classification.

Clinical Genetics, Academic Medical Center
Classification: Benign. Review status: no assertion criteria provided. Collection method: clinical testing. Allele origin: germline. Affected: yes. Study: VKGL Data-share Consensus. Not counted in ClinVar's aggregate classification.